The following is an entry in ClinVar:

NM_001378615.1(CC2D2A):c.4635C>A (p.Asp1545Glu)

Genes: CC2D2A (coiled-coil and C2 domain containing 2A; plus strand), FBXL5 (F-box and leucine rich repeat protein 5; minus strand). Cytogenetic location: 4p15.32.
Variant type: single nucleotide variant.
Coding change: c.4635C>A on transcript NM_001378615.1 (MANE Select); coding-DNA position 4635, C replaced by A.
Protein change: p.Asp1545Glu; replaces aspartic acid 1545 with glutamic acid.
Molecular consequence: missense variant.
Genome position (GRCh38, 1-based): chr4:15,599,667, C>A. VCF-style: chr4-15599667-C-A. GRCh37 (hg19) VCF-style: chr4-15601290-C-A.
Other names: c.4635C>A, p.Asp1545Glu (NM_001080522.2); c.4488C>A, p.Asp1496Glu (NM_001378617.1); short protein forms D1496E, D1545E.
Identifiers: ClinVar variation 1515377 (VCV001515377.8), dbSNP rs776642347, ClinGen allele CA2864426.

ClinVar aggregate classification (germline): Uncertain significance. Review status: criteria provided, multiple submitters, no conflicts (2 of 4 stars). 3 submissions from 3 submitters: Uncertain significance (3). Last evaluated 2026-06-28.

Conditions:
CC2D2A-related disorder. Also called: CC2D2A-related disorders; CC2D2A-related condition. Identifiers: MedGen CN239313.
Joubert syndrome. Also called: JOUBERT-BOLTSHAUSER SYNDROME; Familial aplasia of the vermis. Identifiers: Orphanet 475, MedGen C5979921, MONDO:0018772.
Meckel-Gruber syndrome. Also called: DYSENCEPHALIA SPLANCHNOCYSTICA; GRUBER SYNDROME; Dysencephalia splachnocystica. Identifiers: Orphanet 564, MedGen C0265215, MONDO:0018921.

Allele frequency attached by ClinVar (database versions not stated): gnomAD exomes 0.00001 and 0.00002; ExAC 0.00003.
gnomAD v4.1: 14 of 1,613,264 alleles (0.00087%); highest among the groups gnomAD compares: South Asian, 0.011%; no homozygotes.

Submissions (3):

PreventionGenetics, part of Exact Sciences
Classification: Uncertain significance for CC2D2A-related condition. Last evaluated: 2026-06-28. Review status: criteria provided, single submitter. Criteria: ACMG Guidelines, 2015. Collection method: clinical testing. Allele origin: germline.
Comment: The CC2D2A c.4635C>A variant is predicted to result in the amino acid substitution p.Asp1545Glu. To our knowledge, this variant has not been reported in the literature. This variant is reported in 0.013% of alleles in individuals of South Asian descent in gnomAD. At this time, the clinical significance of this variant is uncertain due to the absence of conclusive functional and genetic evidence.

Labcorp Genetics (formerly Invitae), Labcorp
Classification: Uncertain significance for Joubert syndrome; Meckel-Gruber syndrome. Last evaluated: 2025-12-25. Review status: criteria provided, single submitter. Criteria: Invitae Variant Classification Sherloc (09022015). Collection method: clinical testing. Allele origin: germline.
Comment: This sequence change replaces aspartic acid, which is acidic and polar, with glutamic acid, which is acidic and polar, at codon 1545 of the CC2D2A protein (p.Asp1545Glu). This variant is present in population databases (rs776642347, gnomAD 0.01%). This variant has not been reported in the literature in individuals affected with CC2D2A-related conditions. ClinVar contains an entry for this variant (Variation ID: 1515377). Invitae Evidence Modeling of protein sequence and biophysical properties (such as structural, functional, and spatial information, amino acid conservation, physicochemical variation, residue mobility, and thermodynamic stability) indicates that this missense variant is not expected to disrupt CC2D2A protein function with a negative predictive value of 95%. In summary, the available evidence is currently insufficient to determine the role of this variant in disease. Therefore, it has been classified as a Variant of Uncertain Significance.

GeneDx
Classification: Uncertain significance. Last evaluated: 2025-02-13. Review status: criteria provided, single submitter. Criteria: GeneDx Variant Classification Process June 2021. Collection method: clinical testing. Allele origin: germline. Affected: yes.
Comment: Not observed at significant frequency in large population cohorts (gnomAD); In silico analysis indicates that this missense variant does not alter protein structure/function; Has not been previously published as pathogenic or benign to our knowledge